The following is an entry in ClinVar:

ClinVar aggregate classification (germline): Pathogenic (1 of 4 stars; one submission).

Conditions:
Cardiovascular phenotype. Identifiers: MedGen CN230736.
Hereditary cancer-predisposing syndrome. Also called: Hereditary neoplastic syndrome; Neoplastic Syndromes, Hereditary; Tumor predisposition; Hereditary Cancer Syndrome. Identifiers: Orphanet 140162, MedGen C0027672, MeSH D009386, MONDO:0015356.

Submission:

Ambry Genetics
Classification: Pathogenic for Cardiovascular phenotype; Hereditary cancer-predisposing syndrome. Last evaluated: 2025-08-26. Review status: criteria provided, single submitter. Criteria: Ambry Variant Classification Scheme 2023. Collection method: clinical testing. Allele origin: germline.
Comment: The c.2789delA pathogenic mutation, located in coding exon 21 of the NF1 gene, results from a deletion of one nucleotide at nucleotide position 2789, causing a translational frameshift with a predicted alternate stop codon (p.Y930Ffs*8). This variant is considered to be rare based on population cohorts in the Genome Aggregation Database (gnomAD). This alteration is expected to result in loss of function by premature protein truncation or nonsense-mediated mRNA decay. As such, this alteration is interpreted as a disease-causing mutation.

NM_001042492.3(NF1):c.2789del (p.Tyr930fs)

Gene: NF1 (neurofibromin 1; plus strand). Cytogenetic location: 17q11.2.
Variant type: Deletion.
Coding change: c.2789del on transcript NM_001042492.3 (MANE Select); coding-DNA position 2789, one base deleted (A; older notation c.2789delA).
Protein change: p.Tyr930fs; shifts the reading frame from tyrosine 930.
Molecular consequence: frameshift variant.
Genome position (GRCh38, 1-based): chr17:31,229,404, A deleted. VCF-style (leftmost placement, unchanged base first): chr17-31229403-TA-T. GRCh37 (hg19) VCF-style: chr17-29556421-TA-T.
Other names: c.2789del, p.Tyr930fs (NM_000267.4); short protein forms Y930fs.
Identifiers: ClinVar variation 4119145 (VCV004119145.1).